The following is an entry in ClinVar:

ClinVar aggregate classification (germline): Uncertain significance (1 of 4 stars; one submission).

Conditions:
Hereditary cancer-predisposing syndrome. Also called: Hereditary neoplastic syndrome; Neoplastic Syndromes, Hereditary; Hereditary Cancer Syndrome; Tumor predisposition. Identifiers: Orphanet 140162, MedGen C0027672, MeSH D009386, MONDO:0015356.

Submission:

Labcorp Genetics (formerly Invitae), Labcorp
Classification: Uncertain significance for Hereditary cancer-predisposing syndrome. Last evaluated: 2022-11-25. Review status: criteria provided, single submitter. Criteria: Invitae Variant Classification Sherloc (09022015). Collection method: clinical testing. Allele origin: germline.
Comment: In summary, the available evidence is currently insufficient to determine the role of this variant in disease. Therefore, it has been classified as a Variant of Uncertain Significance. Algorithms developed to predict the effect of sequence changes on RNA splicing suggest that this variant may create or strengthen a splice site. Advanced modeling of protein sequence and biophysical properties (such as structural, functional, and spatial information, amino acid conservation, physicochemical variation, residue mobility, and thermodynamic stability) performed at Invitae indicates that this missense variant is not expected to disrupt RAD50 protein function. This variant has not been reported in the literature in individuals affected with RAD50-related conditions. This variant is not present in population databases (gnomAD no frequency). This sequence change replaces aspartic acid, which is acidic and polar, with valine, which is neutral and non-polar, at codon 417 of the RAD50 protein (p.Asp417Val).

NM_005732.4(RAD50):c.1250A>T (p.Asp417Val)

Gene: RAD50 (RAD50 double strand break repair protein; plus strand). Cytogenetic location: 5q31.1.
Variant type: single nucleotide variant.
Coding change: c.1250A>T on transcript NM_005732.4 (MANE Select); coding-DNA position 1250, A replaced by T.
Protein change: p.Asp417Val; replaces aspartic acid 417 with valine.
Molecular consequence: missense variant.
Genome position (GRCh38, 1-based): chr5:132,589,635, A>T. VCF-style: chr5-132589635-A-T. GRCh37 (hg19) VCF-style: chr5-131925327-A-T.
Other names: short protein forms D417V.
Identifiers: ClinVar variation 2806033 (VCV002806033.3), dbSNP rs2479636570, ClinGen allele CA360943563.